The following is an entry in ClinVar:

ClinVar aggregate classification (germline): Uncertain significance (1 of 4 stars; one submission).

Conditions:
Dilated cardiomyopathy 1JJ (CMD1JJ). Identifiers: Orphanet 154, MedGen C3808935, MONDO:0014095, OMIM 615235.

Allele frequency attached by ClinVar (database versions not stated): gnomAD exomes below 0.00001.
gnomAD v4.1: 1 of 1,612,712 alleles (0.000062%); highest among the groups gnomAD compares: South Asian, 0.0011%; no homozygotes.

Submission:

Labcorp Genetics (formerly Invitae), Labcorp
Classification: Uncertain significance for Dilated cardiomyopathy 1JJ. Last evaluated: 2023-08-27. Review status: criteria provided, single submitter. Criteria: Invitae Variant Classification Sherloc (09022015). Collection method: clinical testing. Allele origin: germline.
Comment: In summary, the available evidence is currently insufficient to determine the role of this variant in disease. Therefore, it has been classified as a Variant of Uncertain Significance. An algorithm developed to predict the effect of missense changes on protein structure and function (PolyPhen-2) suggests that this variant is likely to be tolerated. This variant has not been reported in the literature in individuals affected with LAMA4-related conditions. This variant is not present in population databases (gnomAD no frequency). This sequence change replaces aspartic acid, which is acidic and polar, with valine, which is neutral and non-polar, at codon 383 of the LAMA4 protein (p.Asp383Val).

NM_001105206.3(LAMA4):c.1169A>T (p.Asp390Val)

Gene: LAMA4 (laminin subunit alpha 4; minus strand). Cytogenetic location: 6q21.
Variant type: single nucleotide variant.
Coding change: c.1169A>T on transcript NM_001105206.3 (MANE Select); coding-DNA position 1169, A replaced by T.
Protein change: p.Asp390Val; replaces aspartic acid 390 with valine.
Molecular consequence: missense variant.
Genome position (GRCh38, 1-based): chr6:112,178,141, T>A on the plus strand (A>T on the coding strand, the complement: LAMA4 is on the minus strand). VCF-style: chr6-112178141-T-A. GRCh37 (hg19) VCF-style: chr6-112499343-T-A.
Other names: c.1148A>T, p.Asp383Val (NM_001105207.3, NM_002290.5); short protein forms D383V, D390V.
Identifiers: ClinVar variation 2755646 (VCV002755646.3), dbSNP rs2547121522, ClinGen allele CA365372887.
Genomic context (GRCh38, chr6:112,178,141, plus strand): 5'-TTCCTTGATATTAAACTGAACCAGAAGAGAATATATTTACCTTGGATTTTATCCCTCATA[T>A]CATGGGCTTGCTCTACCAGCTGACTTGCGTGGTTAATGGTGTCCATGCTTTCCTTCTGAA-3'
Protein context (NP_001098676.2, residues 380-400): HASQLVEQAH[Asp390Val]MRDKIQEINN